The following is an entry in ClinVar:

NM_001367624.2(ZNF469):c.8794G>A (p.Ala2932Thr)

Gene: ZNF469 (zinc finger protein 469; plus strand). Cytogenetic location: 16q24.2.
Variant type: single nucleotide variant.
Coding change: c.8794G>A on transcript NM_001367624.2 (MANE Select); coding-DNA position 8794, G replaced by A.
Protein change: p.Ala2932Thr; replaces alanine 2932 with threonine.
Molecular consequence: missense variant.
Genome position (GRCh38, 1-based): chr16:88,436,264, G>A. VCF-style: chr16-88436264-G-A. GRCh37 (hg19) VCF-style: chr16-88502672-G-A.
Other names: NM_001127464.1:c.8710G>A; short protein forms A2932T.
Identifiers: ClinVar variation 3232872 (VCV003232872.1), dbSNP rs1314982259, ClinGen allele CA397119449.

ClinVar aggregate classification (germline): Uncertain significance (1 of 4 stars; one submission).

Conditions:
Cardiovascular phenotype. Identifiers: MedGen CN230736.

gnomAD v4.1: 12 of 1,549,802 alleles (0.00077%); highest among the groups gnomAD compares: South Asian, 0.0036%; no homozygotes.

Submission:

Ambry Genetics
Classification: Uncertain significance for Cardiovascular phenotype. Last evaluated: 2023-12-10. Review status: criteria provided, single submitter. Criteria: Ambry Variant Classification Scheme 2023. Collection method: clinical testing. Allele origin: germline.
Comment: The p.A2904T variant (also known as c.8710G>A), located in coding exon 2 of the ZNF469 gene, results from a G to A substitution at nucleotide position 8710. The alanine at codon 2904 is replaced by threonine, an amino acid with similar properties. This amino acid position is conserved. In addition, this alteration is predicted to be tolerated by in silico analysis. Since supporting evidence is limited at this time, the clinical significance of this alteration remains unclear.